The following is an entry in ClinVar:

ClinVar aggregate classification (germline): Uncertain significance (1 of 4 stars; one submission).

Conditions:
PLXNA3-related disorder. Also called: PLXNA3-related condition.

Submission:

PreventionGenetics, part of Exact Sciences
Classification: Uncertain significance for PLXNA3-related condition. Last evaluated: 2026-09-04. Review status: criteria provided, single submitter. Criteria: ACMG Guidelines, 2015. Collection method: clinical testing. Allele origin: germline.
Comment: The PLXNA3 c.2018A>G variant is predicted to result in the amino acid substitution p.Gln673Arg. To our knowledge, this variant has not been reported in the literature or in a large population database (gnomAD), indicating this variant is rare. At this time, the clinical significance of this variant is uncertain due to the absence of conclusive functional and genetic evidence.

NM_017514.5(PLXNA3):c.2018A>G (p.Gln673Arg)

Gene: PLXNA3 (plexin A3; plus strand). Cytogenetic location: Xq28.
Variant type: single nucleotide variant.
Coding change: c.2018A>G on transcript NM_017514.5 (MANE Select); coding-DNA position 2018, A replaced by G.
Protein change: p.Gln673Arg; replaces glutamine 673 with arginine.
Molecular consequence: missense variant.
Genome position (GRCh38, 1-based): chrX:154,464,843, A>G. VCF-style: chrX-154464843-A-G. GRCh37 (hg19) VCF-style: chrX-153693186-A-G.
Other names: short protein forms Q673R.
Identifiers: ClinVar variation 4994677 (VCV004994677.1).
Genomic context (GRCh38, chrX:154,464,843, plus strand): 5'-CCTGCCACTGGTGTAAGTACCGCCACACGTGTACCAGCCGCCCCCACGAGTGCTCCTTCC[A>G]GGAGGGCAGGGTCCACAGCCCTGAGGTGAGGCGGGCGCCGCATGTGAGGGGCTGGGCTCT-3'
Protein context (NP_059984.3, residues 663-683): CTSRPHECSF[Gln673Arg]EGRVHSPEGC